The following is an entry in ClinVar:

NM_000782.5(CYP24A1):c.1282A>G (p.Asn428Asp)

Gene: CYP24A1 (cytochrome P450 family 24 subfamily A member 1; minus strand). Cytogenetic location: 20q13.2.
Variant type: single nucleotide variant.
Coding change: c.1282A>G on transcript NM_000782.5 (MANE Select); coding-DNA position 1282, A replaced by G.
Protein change: p.Asn428Asp; replaces asparagine 428 with aspartic acid.
Molecular consequence: missense variant. On other transcripts: intron variant (1).
Genome position (GRCh38, 1-based): chr20:54,157,540, T>C on the plus strand (A>G on the coding strand, the complement: CYP24A1 is on the minus strand). VCF-style: chr20-54157540-T-C. GRCh37 (hg19) VCF-style: chr20-52774079-T-C.
Other names: c.1237-251A>G (NM_001128915.2); short protein forms N428D.
Identifiers: ClinVar variation 1904576 (VCV001904576.5), dbSNP rs368194785, ClinGen allele CA9915830.

ClinVar aggregate classification (germline): Uncertain significance (1 of 4 stars; one submission).

Allele frequency attached by ClinVar (database versions not stated): gnomAD exomes below 0.00001; ExAC 0.00001; gnomAD 0.00001; TOPMed 0.00001; ESP Exome Variant Server 0.00008.
gnomAD v4.1: 3 of 1,605,356 alleles (0.00019%); highest among the groups gnomAD compares: African/African-American, 0.0013%; no homozygotes.

Submission:

Labcorp Genetics (formerly Invitae), Labcorp
Classification: Uncertain significance. Last evaluated: 2022-08-17. Review status: criteria provided, single submitter. Criteria: Invitae Variant Classification Sherloc (09022015). Collection method: clinical testing. Allele origin: germline.
Comment: This sequence change replaces asparagine, which is neutral and polar, with aspartic acid, which is acidic and polar, at codon 428 of the CYP24A1 protein (p.Asn428Asp). This variant is present in population databases (rs368194785, gnomAD no frequency). This variant has not been reported in the literature in individuals affected with CYP24A1-related conditions. Advanced modeling of protein sequence and biophysical properties (such as structural, functional, and spatial information, amino acid conservation, physicochemical variation, residue mobility, and thermodynamic stability) performed at Invitae indicates that this missense variant is not expected to disrupt CYP24A1 protein function. In summary, the available evidence is currently insufficient to determine the role of this variant in disease. Therefore, it has been classified as a Variant of Uncertain Significance.